The following is an entry in ClinVar:

NM_000059.4(BRCA2):c.1607C>A (p.Ser536Tyr)

Gene: BRCA2 (BRCA2 DNA repair associated; plus strand). Cytogenetic location: 13q13.1.
Variant type: single nucleotide variant.
Coding change: c.1607C>A on transcript NM_000059.4 (MANE Select); coding-DNA position 1607, C replaced by A.
Protein change: p.Ser536Tyr; replaces serine 536 with tyrosine.
Molecular consequence: missense variant.
Genome position (GRCh38, 1-based): chr13:32,333,085, C>A. VCF-style: chr13-32333085-C-A. GRCh37 (hg19) VCF-style: chr13-32907222-C-A.
Other names: short protein forms S536Y.
Identifiers: ClinVar variation 1318455 (VCV001318455.4), dbSNP rs2137473160, ClinGen allele CA387764855.

ClinVar aggregate classification (germline): Conflicting classifications of pathogenicity. Review status: criteria provided, conflicting classifications (1 of 4 stars). 2 submissions from 2 submitters: Uncertain significance (1); Likely benign (1). Last evaluated 2023-03-23.

Conditions:
Hereditary cancer-predisposing syndrome. Also called: Hereditary neoplastic syndrome; Neoplastic Syndromes, Hereditary; Tumor predisposition; Hereditary Cancer Syndrome. Identifiers: Orphanet 140162, MedGen C0027672, MeSH D009386, MONDO:0015356.

Submissions (2):

University of Washington Department of Laboratory Medicine, University of Washington
Classification: Likely benign for Hereditary cancer-predisposing syndrome. Last evaluated: 2023-03-23. Review status: criteria provided, single submitter. Criteria: Dines et al. (Genet Med. 2020). Collection method: curation. Allele origin: germline.
Comment: Missense variant in a coldspot region where missense variants are very unlikely to be pathogenic (PMID:31911673).

BRCA2 exon 10 coldspot. Reclassification based on statistical prior probability.

GeneDx
Classification: Uncertain significance. Last evaluated: 2019-06-28. Review status: criteria provided, single submitter. Criteria: GeneDx Variant Classification Process June 2021. Collection method: clinical testing. Allele origin: germline. Affected: yes.
Comment: Not observed in large population cohorts (Lek et al., 2016); In silico analysis, which includes protein predictors and evolutionary conservation, supports that this variant does not alter protein structure/function; Has not been previously published as pathogenic or benign to our knowledge